The following is an entry in ClinVar:

ClinVar aggregate classification (germline): Conflicting classifications of pathogenicity. Review status: criteria provided, conflicting classifications (1 of 4 stars). 2 submissions from 2 submitters: Uncertain significance (1); Likely benign (1). Last evaluated 2022-04-15.

Conditions:
Inborn genetic diseases. Identifiers: MedGen C0950123, MeSH D030342.

Allele frequency attached by ClinVar (database versions not stated): ExAC 0.00002; gnomAD 0.00004.
gnomAD v4.1: 31 of 1,613,684 alleles (0.0019%); highest among the groups gnomAD compares: East Asian, 0.0067%; no homozygotes.

Submissions (2):

Labcorp Genetics (formerly Invitae), Labcorp
Classification: Uncertain significance. Last evaluated: 2022-04-15. Review status: criteria provided, single submitter. Criteria: Invitae Variant Classification Sherloc (09022015). Collection method: clinical testing. Allele origin: germline.
Comment: This sequence change replaces proline, which is neutral and non-polar, with leucine, which is neutral and non-polar, at codon 1256 of the LAMC3 protein (p.Pro1256Leu). This variant is present in population databases (rs774738544, gnomAD 0.007%). This variant has not been reported in the literature in individuals affected with LAMC3-related conditions. Algorithms developed to predict the effect of missense changes on protein structure and function output the following: SIFT: "Tolerated"; PolyPhen-2: "Benign"; Align-GVGD: "Class C0". The leucine amino acid residue is found in multiple mammalian species, which suggests that this missense change does not adversely affect protein function. In summary, the available evidence is currently insufficient to determine the role of this variant in disease. Therefore, it has been classified as a Variant of Uncertain Significance.

Ambry Genetics
Classification: Likely benign for Inborn genetic diseases. Last evaluated: 2022-04-13. Review status: criteria provided, single submitter. Criteria: Ambry Variant Classification Scheme 2023. Collection method: clinical testing. Allele origin: germline.

NM_006059.4(LAMC3):c.3767C>T (p.Pro1256Leu)

Gene: LAMC3 (laminin subunit gamma 3; plus strand). Cytogenetic location: 9q34.12.
Variant type: single nucleotide variant.
Coding change: c.3767C>T on transcript NM_006059.4 (MANE Select); coding-DNA position 3767, C replaced by T.
Protein change: p.Pro1256Leu; replaces proline 1256 with leucine.
Molecular consequence: missense variant.
Genome position (GRCh38, 1-based): chr9:131,077,324, C>T. VCF-style: chr9-131077324-C-T. GRCh37 (hg19) VCF-style: chr9-133952711-C-T.
Other names: c.3767C>T (NM_006059.3); short protein forms P1256L.
Identifiers: ClinVar variation 1441777 (VCV001441777.6), dbSNP rs774738544, ClinGen allele CA5287922.
Genomic context (GRCh38, chr9:131,077,324, plus strand): 5'-TGGCCACCGTGCAGCAAGTTGGCGCAGATACAGCCCCGTACCTGGCCTTGCTGGCTTCCC[C>T]GGGAGCTCTGGTCAGCTCAGTTGTCTCAGAGCTCCGTGTGGGGTCGGGAGGATCTATTAT-3'
Protein context (NP_006050.3, residues 1246-1266): TAPYLALLAS[Pro1256Leu]GALPQKSRAE